The following is an entry in ClinVar:

NM_000264.5(PTCH1):c.3890G>A (p.Arg1297Gln)

Gene: PTCH1 (patched 1; minus strand). Cytogenetic location: 9q22.32.
Variant type: single nucleotide variant.
Coding change: c.3890G>A on transcript NM_000264.5 (MANE Select); coding-DNA position 3890, G replaced by A.
Protein change: p.Arg1297Gln; replaces arginine 1297 with glutamine.
Molecular consequence: missense variant. On other transcripts: non-coding transcript variant (1).
Genome position (GRCh38, 1-based): chr9:95,447,366, C>T on the plus strand (G>A on the coding strand, the complement: PTCH1 is on the minus strand). VCF-style: chr9-95447366-C-T. GRCh37 (hg19) VCF-style: chr9-98209648-C-T.
Other names: c.3692G>A, p.Arg1231Gln (NM_001083602.3); c.3887G>A, p.Arg1296Gln (NM_001083603.3); c.3437G>A, p.Arg1146Gln (NM_001083604.3, NM_001083605.3, NM_001083606.3 and 1 more transcripts); c.3734G>A, p.Arg1245Gln (NM_001354918.2); c.3890G>A (NM_000264.4); short protein forms R1231Q, R1297Q, R1146Q, R1296Q, R1245Q.
Identifiers: ClinVar variation 41662 (VCV000041662.66), dbSNP rs386833412, ClinGen allele CA215715.

ClinVar aggregate classification (germline): Conflicting classifications of pathogenicity. Review status: criteria provided, conflicting classifications (1 of 4 stars). 7 submissions from 7 submitters: Uncertain significance (1); Benign (1); Likely benign (4). 1 of the submissions does not count toward it. Last evaluated 2026-01-14.

Conditions:
Hereditary cancer-predisposing syndrome. Also called: Tumor predisposition; Neoplastic Syndromes, Hereditary; Hereditary Cancer Syndrome; Hereditary neoplastic syndrome. Identifiers: Orphanet 140162, MedGen C0027672, MeSH D009386, MONDO:0015356.
PTCH1-related disorder. Also called: PTCH1-related disorders; PTCH1-related condition.
Gorlin syndrome. Also called: Basal cell nevus syndrome; Nevoid Basal Cell Carcinoma Syndrome. Identifiers: Orphanet 377, MedGen C0004779, MONDO:0007187.

Allele frequency attached by ClinVar (database versions not stated): gnomAD exomes 0.00006 and 0.00005; TOPMed 0.00006; ExAC 0.00009; gnomAD 0.00002 and 0.00003.
gnomAD v4.1: 81 of 1,613,020 alleles (0.005%); highest among the groups gnomAD compares: Middle Eastern, 0.016%; 1 homozygote.

Submissions (7):

Labcorp Genetics (formerly Invitae), Labcorp
Classification: Benign for Gorlin syndrome. Last evaluated: 2026-01-14. Review status: criteria provided, single submitter. Criteria: Invitae Variant Classification Sherloc (09022015). Collection method: clinical testing. Allele origin: germline.

PreventionGenetics, part of Exact Sciences
Classification: Likely benign for PTCH1-related condition. Last evaluated: 2025-05-16. Review status: criteria provided, single submitter. Criteria: ACMG Guidelines, 2015. Collection method: clinical testing. Allele origin: germline.
Comment: This variant is classified as likely benign based on ACMG/AMP sequence variant interpretation guidelines (Richards et al. 2015 PMID: 25741868, with internal and published modifications).

Quest Diagnostics Nichols Institute San Juan Capistrano
Classification: Likely benign. Last evaluated: 2025-03-13. Review status: criteria provided, single submitter. Criteria: Quest Diagnostics criteria. Collection method: clinical testing. Allele origin: unknown.

CeGaT Center for Human Genetics Tuebingen
Classification: Uncertain significance. Last evaluated: 2024-12-01. Review status: criteria provided, single submitter. Criteria: CeGaT Center For Human Genetics Tuebingen Variant Classification Criteria Version 2. Collection method: clinical testing. Allele origin: germline. Affected: yes. Observed: 2 variant alleles.
Comment: PTCH1: PM5, BP4

Blueprint Genetics
Classification: Likely benign. Last evaluated: 2024-07-19. Review status: criteria provided, single submitter. Criteria: ACMG Guidelines, 2015. Collection method: clinical testing. Allele origin: germline.

Ambry Genetics
Classification: Likely benign for Hereditary cancer-predisposing syndrome. Last evaluated: 2020-01-27. Review status: criteria provided, single submitter. Criteria: Ambry Variant Classification Scheme 2023. Collection method: clinical testing. Allele origin: germline.

Biesecker Lab/Clinical Genomics Section, National Institutes of Health
Classification: Uncertain significance. Last evaluated: 2012-07-13. Review status: no assertion criteria provided. Collection method: research. Allele origin: germline. Affected: no. Observed: 1 variant allele. Study: ClinSeq. Not counted in ClinVar's aggregate classification.
ClinVar note: Converted during submission from variant of unknown significance to Uncertain significance.

Literature cited by the submitters: PubMed 27028851 (cited by Quest Diagnostics Nichols Institute San Juan Capistrano and Ambry Genetics); PubMed 23061468 (cited by Quest Diagnostics Nichols Institute San Juan Capistrano and Ambry Genetics); PubMed 26893459 (cited by Ambry Genetics).